The following is an entry in ClinVar:

NM_020937.4(FANCM):c.4691T>C (p.Ile1564Thr)

Gene: FANCM (FA complementation group M; plus strand). Cytogenetic location: 14q21.2.
Variant type: single nucleotide variant.
Coding change: c.4691T>C on transcript NM_020937.4 (MANE Select); coding-DNA position 4691, T replaced by C.
Protein change: p.Ile1564Thr; replaces isoleucine 1564 with threonine.
Molecular consequence: missense variant.
Genome position (GRCh38, 1-based): chr14:45,187,799, T>C. VCF-style: chr14-45187799-T-C. GRCh37 (hg19) VCF-style: chr14-45657002-T-C.
Other names: c.4613T>C, p.Ile1538Thr (NM_001308133.2); short protein forms I1538T, I1564T.
Identifiers: ClinVar variation 970905 (VCV000970905.8), dbSNP rs1889499436, ClinGen allele CA389609777.

ClinVar aggregate classification (germline): Uncertain significance. Review status: criteria provided, multiple submitters, no conflicts (2 of 4 stars). 2 submissions from 2 submitters: Uncertain significance (2). Last evaluated 2025-06-25.

Conditions:
Spermatogenic failure 28. Identifiers: MedGen C4748117, MONDO:0054732, OMIM 618086.
Premature ovarian failure 15. Identifiers: MedGen C4748170, MONDO:0054862, OMIM 618096.
Fanconi anemia (FA). Also called: Fanconi's anemia. Identifiers: Orphanet 84, MedGen C0015625, MeSH D005199, MONDO:0019391.

Allele frequency attached by ClinVar (database versions not stated): gnomAD exomes below 0.00001.
gnomAD v4.1: 3 of 1,550,800 alleles (0.00019%); highest among the groups gnomAD compares: Admixed American, 0.005%; no homozygotes.

Submissions (2):

Labcorp Genetics (formerly Invitae), Labcorp
Classification: Uncertain significance for Fanconi anemia. Last evaluated: 2025-06-25. Review status: criteria provided, single submitter. Criteria: Invitae Variant Classification Sherloc (09022015). Collection method: clinical testing. Allele origin: germline.
Comment: This sequence change replaces isoleucine, which is neutral and non-polar, with threonine, which is neutral and polar, at codon 1564 of the FANCM protein (p.Ile1564Thr). This variant is not present in population databases (gnomAD no frequency). This variant has not been reported in the literature in individuals affected with FANCM-related conditions. ClinVar contains an entry for this variant (Variation ID: 970905). An algorithm developed to predict the effect of missense changes on protein structure and function (PolyPhen-2) suggests that this variant is likely to be tolerated. In summary, the available evidence is currently insufficient to determine the role of this variant in disease. Therefore, it has been classified as a Variant of Uncertain Significance.

Fulgent Genetics
Classification: Uncertain significance for Spermatogenic failure 28; Premature ovarian failure 15. Last evaluated: 2021-08-19. Review status: criteria provided, single submitter. Criteria: ACMG Guidelines, 2015. Collection method: clinical testing. Allele origin: unknown.